The following is an entry in ClinVar:

ClinVar aggregate classification (germline): Uncertain significance. Review status: criteria provided, multiple submitters, no conflicts (2 of 4 stars). 3 submissions from 3 submitters: Uncertain significance (3). Last evaluated 2025-03-17.

Conditions:
Inborn genetic diseases. Identifiers: MedGen C0950123, MeSH D030342.

Allele frequency attached by ClinVar (database versions not stated): gnomAD exomes 0.00001; TOPMed 0.00006; gnomAD 0.00009.
gnomAD v4.1: 26 of 1,614,048 alleles (0.0016%); highest among the groups gnomAD compares: Admixed American, 0.042%; no homozygotes.

Submissions (3):

Labcorp Genetics (formerly Invitae), Labcorp
Classification: Uncertain significance. Last evaluated: 2025-03-17. Review status: criteria provided, single submitter. Criteria: Invitae Variant Classification Sherloc (09022015). Collection method: clinical testing. Allele origin: germline.
Comment: This sequence change replaces valine, which is neutral and non-polar, with glycine, which is neutral and non-polar, at codon 961 of the DENND5A protein (p.Val961Gly). This variant is present in population databases (no rsID available, gnomAD 0.02%). This variant has not been reported in the literature in individuals affected with DENND5A-related conditions. ClinVar contains an entry for this variant (Variation ID: 2582892). Invitae Evidence Modeling of protein sequence and biophysical properties (such as structural, functional, and spatial information, amino acid conservation, physicochemical variation, residue mobility, and thermodynamic stability) has been performed for this missense variant. However, the output from this modeling did not meet the statistical confidence thresholds required to predict the impact of this variant on DENND5A protein function. In summary, the available evidence is currently insufficient to determine the role of this variant in disease. Therefore, it has been classified as a Variant of Uncertain Significance.

Ambry Genetics
Classification: Uncertain significance for Inborn genetic diseases. Last evaluated: 2023-11-22. Review status: criteria provided, single submitter. Criteria: Ambry Variant Classification Scheme 2023. Collection method: clinical testing. Allele origin: germline.

CeGaT Center for Human Genetics Tuebingen
Classification: Uncertain significance. Last evaluated: 2023-09-01. Review status: criteria provided, single submitter. Criteria: CeGaT Center For Human Genetics Tuebingen Variant Classification Criteria Version 2. Collection method: clinical testing. Allele origin: germline. Affected: yes. Observed: 1 variant allele.
Comment: DENND5A: PM2

NM_015213.4(DENND5A):c.2882T>G (p.Val961Gly)

Gene: DENND5A (DENN domain containing 5A; minus strand). Cytogenetic location: 11p15.4.
Variant type: single nucleotide variant.
Coding change: c.2882T>G on transcript NM_015213.4 (MANE Select); coding-DNA position 2882, T replaced by G.
Protein change: p.Val961Gly; replaces valine 961 with glycine.
Molecular consequence: missense variant. On other transcripts: non-coding transcript variant (1).
Genome position (GRCh38, 1-based): chr11:9,145,791, A>C on the plus strand (T>G on the coding strand, the complement: DENND5A is on the minus strand). VCF-style: chr11-9145791-A-C. GRCh37 (hg19) VCF-style: chr11-9167338-A-C.
Other names: c.2882T>G, p.Val961Gly (NM_001243254.2, NM_001348748.1); c.2810T>G, p.Val937Gly (NM_001348749.2); c.2594T>G, p.Val865Gly (NM_001348750.2); c.2882T>G (NM_015213.3); short protein forms V865G, V937G, V961G.
Identifiers: ClinVar variation 2582892 (VCV002582892.27), dbSNP rs944260318, ClinGen allele CA217538144.